The following is an entry in ClinVar:

NM_000282.4(PCCA):c.1519G>T (p.Val507Leu)

Gene: PCCA (propionyl-CoA carboxylase subunit alpha; plus strand). Cytogenetic location: 13q32.3.
Variant type: single nucleotide variant.
Coding change: c.1519G>T on transcript NM_000282.4 (MANE Select); coding-DNA position 1519, G replaced by T.
Protein change: p.Val507Leu; replaces valine 507 with leucine.
Molecular consequence: missense variant. On other transcripts: non-coding transcript variant (5).
Genome position (GRCh38, 1-based): chr13:100,330,650, G>T. VCF-style: chr13-100330650-G-T. GRCh37 (hg19) VCF-style: chr13-100982904-G-T.
Other names: c.1441G>T, p.Val481Leu (NM_001127692.3, NM_001352607.2); c.1519G>T, p.Val507Leu (NM_001178004.2, NM_001352605.2, NM_001352609.2); c.1375G>T, p.Val459Leu (NM_001352606.2); c.1297G>T, p.Val433Leu (NM_001352608.2); c.574G>T, p.Val192Leu (NM_001352610.2, NM_001352611.2); c.430G>T, p.Val144Leu (NM_001352612.2); short protein forms V192L, V433L, V507L, V144L, V459L, V481L.
Identifiers: ClinVar variation 1520176 (VCV001520176.4), dbSNP rs146061036, ClinGen allele CA388696232.

ClinVar aggregate classification (germline): Uncertain significance (1 of 4 stars; one submission).

Conditions:
Propionic acidemia (PROP). Also called: GLYCINEMIA, KETOTIC; HYPERGLYCINEMIA WITH KETOACIDOSIS AND LEUKOPENIA; KETOTIC HYPERGLYCINEMIA. Identifiers: Orphanet 35, MedGen C0268579, MONDO:0011628, OMIM 606054, HP:0003571.

Submission:

Labcorp Genetics (formerly Invitae), Labcorp
Classification: Uncertain significance for Propionic acidemia. Last evaluated: 2021-08-07. Review status: criteria provided, single submitter. Criteria: Invitae Variant Classification Sherloc (09022015). Collection method: clinical testing. Allele origin: germline.
Comment: In summary, the available evidence is currently insufficient to determine the role of this variant in disease. Therefore, it has been classified as a Variant of Uncertain Significance. Advanced modeling of protein sequence and biophysical properties (such as structural, functional, and spatial information, amino acid conservation, physicochemical variation, residue mobility, and thermodynamic stability) performed at Invitae indicates that this missense variant is not expected to disrupt PCCA protein function. This variant has not been reported in the literature in individuals affected with PCCA-related conditions. This variant is not present in population databases (ExAC no frequency). This sequence change replaces valine with leucine at codon 507 of the PCCA protein (p.Val507Leu). The valine residue is highly conserved and there is a small physicochemical difference between valine and leucine.